The following is an entry in ClinVar:

ClinVar aggregate classification (germline): Pathogenic/Likely pathogenic. Review status: criteria provided, multiple submitters, no conflicts (2 of 4 stars). 4 submissions from 4 submitters: Pathogenic (2); Likely pathogenic (1). 1 of the submissions does not count toward it. Last evaluated 2025-04-22.

Conditions:
Methylcobalamin deficiency type cblG (HMAG). Also called: Functional methionine synthase deficiency type cblG; HOMOCYSTINURIA-MEGALOBLASTIC ANEMIA DUE TO DEFECT IN COBALAMIN METABOLISM, cblG COMPLEMENTATION TYPE; HOMOCYSTINURIA-MEGALOBLASTIC ANEMIA, cblG COMPLEMENTATION TYPE; HOMOCYSTINURIA-MEGALOBLASTIC ANEMIA, cblG TYPE. Identifiers: Orphanet 2170, Orphanet 622, MedGen C1855128, MONDO:0009609, OMIM 250940.

Allele frequency attached by ClinVar (database versions not stated): gnomAD 0.00001.
gnomAD v4.1: 2 of 152,226 alleles (0.0013%); highest among the groups gnomAD compares: Admixed American, 0.0065%; no homozygotes.

Submissions (4):

GeneDx
Classification: Pathogenic. Last evaluated: 2025-04-22. Review status: criteria provided, single submitter. Criteria: GeneDx Variant Classification Process June 2021. Collection method: clinical testing. Allele origin: germline. Affected: yes.
Comment: RNA studies found this variant results in the creation of a cryptic acceptor site resulting in a null allele in a gene for which loss of function is a known mechanism of disease (PMID: 9683607); No data available from control populations to assess the frequency of this variant; This variant is associated with the following publications: (PMID: 9683607, 25758715)

Women's Health and Genetics/Laboratory Corporation of America, LabCorp
Classification: Likely pathogenic for Methylcobalamin deficiency type cblG. Last evaluated: 2025-03-12. Review status: criteria provided, single submitter. Criteria: LabCorp Variant Classification Summary - May 2015. Collection method: clinical testing. Allele origin: germline.
Comment: Variant summary: MTR c.340-166A>G is located at a position not widely known to affect splicing. However, several computational tools predict a significant impact on normal splicing: Four predict the variant creates a 3' acceptor site. At least one publication reports experimental evidence confirming the variant creates a cryptic 3' splice acceptor site. This results in an altered sequence containing a premature termination codon with confirmed loss of mRNA transcript (e.g. Wilson_1998). The frequency of this variant in the general population could not be determined as the technology used for large population databases (ExAC, gnomAD, ESP, 1000G) cannot detect variants of this type. c.340-166A>G has been reported in the literature in homozygous and compound heterozygous individuals affected with Methylcobalamin deficiency type cblG (e.g. Mercimek-Mahmutoglu_2015, Wilson_1998). These data indicate that the variant is likely to be associated with disease. The following publications have been ascertained in the context of this evaluation (PMID: 25758715, 9683607). ClinVar contains an entry for this variant (Variation ID: 14281). Based on the evidence outlined above, the variant was classified as likely pathogenic.

Labcorp Genetics (formerly Invitae), Labcorp
Classification: Pathogenic for Methylcobalamin deficiency type cblG. Last evaluated: 2023-11-17. Review status: criteria provided, single submitter. Criteria: Invitae Variant Classification Sherloc (09022015). Collection method: clinical testing. Allele origin: germline.
Comment: This sequence change falls in intron 3 of the MTR gene. It does not directly change the encoded amino acid sequence of the MTR protein. This variant is not present in population databases (gnomAD no frequency). This variant has been observed in individual(s) with homocystinuria, cblG type (PMID: 9683607, 25758715). In at least one individual the data is consistent with being in trans (on the opposite chromosome) from a pathogenic variant. It has also been observed to segregate with disease in related individuals. This variant is also known as IVS-166A>G. ClinVar contains an entry for this variant (Variation ID: 14281). Studies have shown that this variant is associated with altered splicing resulting in unknown protein product impact (PMID: 9683607). For these reasons, this variant has been classified as Pathogenic.

OMIM
Classification: Pathogenic for HOMOCYSTINURIA-MEGALOBLASTIC ANEMIA, cblG COMPLEMENTATION TYPE. Last evaluated: 1998-08-01. Review status: no assertion criteria provided. Collection method: literature only. Allele origin: germline. Not counted in ClinVar's aggregate classification.

Literature cited by the submitters: PubMed 25758715 (cited by Women's Health and Genetics/Laboratory Corporation of America, LabCorp and Labcorp Genetics (formerly Invitae), Labcorp); PubMed 9683607 (cited by 3 submitters).

NM_000254.3(MTR):c.340-166A>G

Gene: MTR (5-methyltetrahydrofolate-homocysteine methyltransferase; plus strand). Cytogenetic location: 1q43.
Variant type: single nucleotide variant.
Coding change: c.340-166A>G on transcript NM_000254.3 (MANE Select); 166 bases into the intron before coding-DNA position 340, A replaced by G.
Molecular consequence: intron variant.
Genome position (GRCh38, 1-based): chr1:236,808,538, A>G. VCF-style: chr1-236808538-A-G. GRCh37 (hg19) VCF-style: chr1-236971838-A-G.
Other names: IVS3AS, A-G, -166; c.340-166A>G (NM_001291939.1); c.-769-166A>G (NM_001291940.2).
Identifiers: ClinVar variation 14281 (VCV000014281.6), dbSNP rs1661117141, ClinGen allele CA1013656202.
Genomic context (GRCh38, chr1:236,808,538, plus strand): 5'-TTTGGGAGGAGAACCTAAAAGCAGTTCCCAAGGACTCTTGTCTTTCCTTGCTGCCTTTCA[A>G]GTCTGGAGCTGATATGCCTGCTTGGCTAAGATTTCACTCAGACCTCAGATTAATTCACTC-3'